The following is an entry in ClinVar:

ClinVar aggregate classification (germline): Pathogenic. Review status: reviewed by expert panel (3 of 4 stars). 4 submissions from 4 submitters: Pathogenic (1). 3 of the submissions do not count toward it. Last evaluated 2017-12-15.

Conditions:
Hereditary breast ovarian cancer syndrome. Also called: Hereditary breast and ovarian cancer syndrome (HBOC); Breast and ovarian cancer; Hereditary breast and ovarian cancer syndrome; Hereditary breast and ovarian cancer; BRCA1- and BRCA2-Associated Hereditary Breast and Ovarian Cancer; Hereditary breast and/or ovarian cancer syndrome. Identifiers: Orphanet 145, MedGen C0677776, MeSH D061325, MONDO:0003582. Disease mechanism: loss of function.
Breast-ovarian cancer, familial, susceptibility to, 1 (BROVCA1). Also called: BRCA1 Hereditary Breast and Ovarian Cancer; OVARIAN CANCER, SUSCEPTIBILITY TO. Identifiers: Orphanet 145, MedGen C2676676, MONDO:0011450, OMIM 604370. Disease mechanism: loss of function.

Submissions (4):

Evidence-based Network for the Interpretation of Germline Mutant Alleles (ENIGMA)
Classification: Pathogenic for Breast-ovarian cancer, familial, susceptibility to, 1. Last evaluated: 2017-12-15. Review status: reviewed by expert panel. Criteria: ENIGMA BRCA1/2 Classification Criteria (2017-06-29). Collection method: curation. Allele origin: germline. Study: ENIGMA.
Comment: Variant allele predicted to encode a truncated non-functional protein.

GeneKor MSA
Classification: Pathogenic. Last evaluated: 2020-01-01. Review status: criteria provided, single submitter. Criteria: ACMG Guidelines, 2015. Collection method: clinical testing. Allele origin: germline. Not counted in ClinVar's aggregate classification.
Comment: This variant is a single amino acid change from Lysine to a Termination codon at amino acid residue 995 of the BRCA1 gene. It results in a truncated non-functional protein. Truncating variants in the BRCA1 gene are known to be pathogenic. The mutation database ClinVar contains entries for this variant (Variation ID: 252431).

GeneDx
Classification: Pathogenic. Last evaluated: 2017-05-24. Review status: criteria provided, single submitter. Criteria: GeneDx Variant Classification (06012015). Collection method: clinical testing. Allele origin: germline. Affected: yes. Not counted in ClinVar's aggregate classification.
Comment: This variant is denoted BRCA1 c.2983A>T at the cDNA level and p.Lys995Ter (K995X) at the protein level. The substitution creates a nonsense variant, which changes a Lysine to a premature stop codon (AAG>TAG), and is predicted to cause loss of normal protein function through either protein truncation or nonsense-mediated mRNA decay. Although this variant has not, to our knowledge, been reported in the literature, it is considered pathogenic.

Research Molecular Genetics Laboratory, Women's College Hospital, University of Toronto
Classification: Pathogenic for Hereditary breast ovarian cancer syndrome. Last evaluated: 2014-01-31. Review status: no assertion criteria provided. Collection method: research. Allele origin: germline. Affected: yes. Study: The Canadian Open Genetics Repository (COGR). Not counted in ClinVar's aggregate classification.

NM_007294.4(BRCA1):c.2983A>T (p.Lys995Ter)

Gene: BRCA1 (BRCA1 DNA repair associated; minus strand). Cytogenetic location: 17q21.31.
Variant type: single nucleotide variant.
Coding change: c.2983A>T on transcript NM_007294.4 (MANE Select); coding-DNA position 2983, A replaced by T.
Protein change: p.Lys995Ter; replaces lysine 995 with a stop codon.
Molecular consequence: nonsense. On other transcripts: intron variant (137).
Genome position (GRCh38, 1-based): chr17:43,092,548, T>A on the plus strand (A>T on the coding strand, the complement: BRCA1 is on the minus strand). VCF-style: chr17-43092548-T-A. GRCh37 (hg19) VCF-style: chr17-41244565-T-A.
Other names: c.2770A>T, p.Lys924Ter (NM_001407571.1, NM_001407853.1, NM_001407894.1 and 9 more transcripts); c.2983A>T, p.Lys995Ter (NM_001407581.1, NM_001407582.1, NM_001407583.1 and 30 more transcripts); c.2980A>T, p.Lys994Ter (NM_001407587.1, NM_001407590.1, NM_001407591.1 and 22 more transcripts); c.2905A>T, p.Lys969Ter (NM_001407658.1, NM_001407663.1, NM_001407653.1 and 4 more transcripts); c.2902A>T, p.Lys968Ter (NM_001407659.1, NM_001407660.1, NM_001407661.1 and 1 more transcripts); c.2860A>T, p.Lys954Ter (NM_001407664.1, NM_001407665.1, NM_001407666.1 and 19 more transcripts); c.2857A>T, p.Lys953Ter (NM_001407685.1, NM_001407940.1, NM_001407941.1 and 11 more transcripts); c.2842A>T, p.Lys948Ter (NM_001407697.1, NM_001407698.1, NM_001407724.1 and 29 more transcripts); and 41 more; short protein forms K995*, K948*, K883*, K924*, K699*, K827*, K884*, K906*.
Identifiers: ClinVar variation 252431 (VCV000252431.4), dbSNP rs879255315, ClinGen allele CA10585940.